The following is an entry in ClinVar:

ClinVar aggregate classification (germline): Uncertain significance. Review status: criteria provided, multiple submitters, no conflicts (2 of 4 stars). 3 submissions from 3 submitters: Uncertain significance (3). Last evaluated 2025-12-24.

Conditions:
Hereditary cancer-predisposing syndrome. Also called: Hereditary Cancer Syndrome; Tumor predisposition; Hereditary neoplastic syndrome; Neoplastic Syndromes, Hereditary. Identifiers: Orphanet 140162, MedGen C0027672, MeSH D009386, MONDO:0015356.

Allele frequency attached by ClinVar (database versions not stated): gnomAD exomes below 0.00001; TOPMed below 0.00001; ExAC 0.00001.
gnomAD v4.1: 1 of 1,613,238 alleles (0.000062%); highest among the groups gnomAD compares: Admixed American, 0.0017%; no homozygotes.

Submissions (3):

Labcorp Genetics (formerly Invitae), Labcorp
Classification: Uncertain significance. Last evaluated: 2025-12-24. Review status: criteria provided, single submitter. Criteria: Invitae Variant Classification Sherloc (09022015). Collection method: clinical testing. Allele origin: germline.
Comment: This sequence change replaces aspartic acid, which is acidic and polar, with glycine, which is neutral and non-polar, at codon 111 of the NTHL1 protein (p.Asp111Gly). This variant is present in population databases (rs747659604, gnomAD 0.003%). This variant has not been reported in the literature in individuals affected with NTHL1-related conditions. ClinVar contains an entry for this variant (Variation ID: 1045801). An algorithm developed to predict the effect of missense changes on protein structure and function (PolyPhen-2) suggests that this variant is likely to be disruptive. In summary, the available evidence is currently insufficient to determine the role of this variant in disease. Therefore, it has been classified as a Variant of Uncertain Significance.

Ambry Genetics
Classification: Uncertain significance for Hereditary cancer-predisposing syndrome. Last evaluated: 2025-08-20. Review status: criteria provided, single submitter. Criteria: Ambry Variant Classification Scheme 2023. Collection method: clinical testing. Allele origin: germline.

Quest Diagnostics Nichols Institute San Juan Capistrano
Classification: Uncertain significance. Last evaluated: 2024-01-15. Review status: criteria provided, single submitter. Criteria: Quest Diagnostics criteria. Collection method: clinical testing. Allele origin: unknown.
Comment: The NTHL1 c.332A>G (p.Asp111Gly) variant has been reported in the published literature in at least one reportedly healthy individual (PMID: 34117267 (2021)). The frequency of this variant in the general population, 0.000004 (1/251068 chromosomes (Genome Aggregation Database)), is uninformative in the assessment of its pathogenicity. Analysis of this variant using bioinformatics tools for the prediction of the effect of amino acid changes on protein structure and function yielded predictions that this variant is damaging. Based on the available information, we are unable to determine the clinical significance of this variant.

Literature cited by the submitters: PubMed 34117267 (cited by Quest Diagnostics Nichols Institute San Juan Capistrano).

NM_002528.7(NTHL1):c.308A>G (p.Asp103Gly)

Gene: NTHL1 (nth like DNA glycosylase 1; minus strand). Cytogenetic location: 16p13.3.
Variant type: single nucleotide variant.
Coding change: c.308A>G on transcript NM_002528.7 (MANE Select); coding-DNA position 308, A replaced by G.
Protein change: p.Asp103Gly; replaces aspartic acid 103 with glycine.
Molecular consequence: missense variant. On other transcripts: intron variant (1).
Genome position (GRCh38, 1-based): chr16:2,046,174, T>C on the plus strand (A>G on the coding strand, the complement: NTHL1 is on the minus strand). VCF-style: chr16-2046174-T-C. GRCh37 (hg19) VCF-style: chr16-2096175-T-C.
Other names: c.332A>G (NM_002528.5, NM_002528.6); c.308A>G, p.Asp103Gly (NM_001318193.2); c.24+106A>G (NM_001318194.2); short protein forms D103G.
Identifiers: ClinVar variation 1045801 (VCV001045801.12), dbSNP rs747659604, ClinGen allele CA7828325.